The following is an entry in ClinVar:

ClinVar aggregate classification (germline): Uncertain significance (1 of 4 stars; one submission).

Conditions:
Parathyroid carcinoma (PRTC). Also called: CDC73-Related Parathyroid Carcinoma; Parathyroid gland carcinoma. Identifiers: Orphanet 143, MedGen C0687150, MONDO:0012004, OMIM 608266, HP:0006780.

Submission:

Labcorp Genetics (formerly Invitae), Labcorp
Classification: Uncertain significance for Parathyroid carcinoma. Last evaluated: 2025-11-17. Review status: criteria provided, single submitter. Criteria: Invitae Variant Classification Sherloc (09022015). Collection method: clinical testing. Allele origin: germline.
Comment: This sequence change replaces serine, which is neutral and polar, with tyrosine, which is neutral and polar, at codon 195 of the CDC73 protein (p.Ser195Tyr). This variant is not present in population databases (gnomAD no frequency). This variant has not been reported in the literature in individuals affected with CDC73-related conditions. Invitae Evidence Modeling of protein sequence and biophysical properties (such as structural, functional, and spatial information, amino acid conservation, physicochemical variation, residue mobility, and thermodynamic stability) indicates that this missense variant is not expected to disrupt CDC73 protein function with a negative predictive value of 80%. In summary, the available evidence is currently insufficient to determine the role of this variant in disease. Therefore, it has been classified as a Variant of Uncertain Significance.

NM_024529.5(CDC73):c.584C>A (p.Ser195Tyr)

Gene: CDC73 (cell division cycle 73; plus strand). Cytogenetic location: 1q31.2.
Variant type: single nucleotide variant.
Coding change: c.584C>A on transcript NM_024529.5 (MANE Select); coding-DNA position 584, C replaced by A.
Protein change: p.Ser195Tyr; replaces serine 195 with tyrosine.
Molecular consequence: missense variant.
Genome position (GRCh38, 1-based): chr1:193,141,921, C>A. VCF-style: chr1-193141921-C-A. GRCh37 (hg19) VCF-style: chr1-193111051-C-A.
Other names: short protein forms S195Y.
Identifiers: ClinVar variation 4738414 (VCV004738414.1).
Genomic context (GRCh38, chr1:193,141,921, plus strand): 5'-AAGCTATGTCAGTGGAAAAAATTGCTGCAATCAAAGCCAAAATTATGGCTAAGAAAAGAT[C>A]TACTATCAAGACTGATCTAGATGATGACATAACTGCCCTTAAACAGAGGAGTTTTGTGGA-3'
Protein context (NP_078805.3, residues 185-205): IKAKIMAKKR[Ser195Tyr]TIKTDLDDDI